The following is an entry in ClinVar:

NM_001257293.2(HNRNPH1):c.616C>T (p.Arg206Trp)

Genes: HNRNPH1 (heterogeneous nuclear ribonucleoprotein H1; minus strand), LOC128966623 (uncharacterized LOC128966623; plus strand). Cytogenetic location: 5q35.3.
Variant type: single nucleotide variant.
Coding change: c.616C>T on transcript NM_001257293.2 (MANE Select); coding-DNA position 616, C replaced by T.
Protein change: p.Arg206Trp; replaces arginine 206 with tryptophan.
Molecular consequence: missense variant.
Genome position (GRCh38, 1-based): chr5:179,618,244, G>A on the plus strand (C>T on the coding strand, the complement: HNRNPH1 is on the minus strand). VCF-style: chr5-179618244-G-A. GRCh37 (hg19) VCF-style: chr5-179045245-G-A.
Other names: c.616C>T, p.Arg206Trp (NM_001363572.2, NM_001364225.2, NM_001364226.2 and 23 more transcripts); c.460C>T, p.Arg154Trp (NM_001364250.2); c.13C>T, p.Arg5Trp (NM_001364251.2, NM_001364252.2, NM_001364253.2 and 2 more transcripts); short protein forms R154W, R206W, R5W.
Identifiers: ClinVar variation 985769 (VCV000985769.7), dbSNP rs1770718566, ClinGen allele CA362438441.

ClinVar aggregate classification (germline): Pathogenic. Review status: criteria provided, multiple submitters, no conflicts (2 of 4 stars). 3 submissions from 3 submitters: Pathogenic (2). 1 of the submissions does not count toward it. Last evaluated 2023-07-27.

Conditions:
Inborn genetic diseases. Identifiers: MedGen C0950123, MeSH D030342.
Neurodevelopmental disorder with craniofacial dysmorphism and skeletal defects (NEDCDS). Identifiers: Orphanet 662207, MedGen C5774235, MONDO:0859301, OMIM 620083.

Submissions (3):

Ambry Genetics
Classification: Pathogenic for Inborn genetic diseases. Last evaluated: 2023-07-27. Review status: criteria provided, single submitter. Criteria: Ambry Variant Classification Scheme 2023. Collection method: clinical testing. Allele origin: germline.
Comment: The c.616C>T (p.R206W) alteration is located in exon 6 (coding exon 5) of the HNRNPH1 gene. This alteration results from a C to T substitution at nucleotide position 616, causing the arginine (R) at amino acid position 206 to be replaced by a tryptophan (W). This variant was not reported in population-based cohorts in the Genome Aggregation Database (gnomAD). This variant has been determined to be the result of a de novo mutation in multiple individuals with features consistent with HNRNPH1-related neurodevelopmental disorder (Pilch, 2018; Peeters, 2020; Reichert, 2020). This amino acid position is highly conserved in available vertebrate species. The in silico prediction for this alteration is inconclusive. Based on the available evidence, this alteration is classified as pathogenic.

GeneDx
Classification: Pathogenic. Last evaluated: 2022-08-11. Review status: criteria provided, single submitter. Criteria: GeneDx Variant Classification Process June 2021. Collection method: clinical testing. Allele origin: germline. Affected: yes.
Comment: Not observed in large population cohorts (gnomAD); In silico analysis, which includes protein predictors and evolutionary conservation, supports a deleterious effect; This variant is associated with the following publications: (PMID: 29938792, 32335897, 31943778, 31670473)

OMIM
Classification: Pathogenic for NEURODEVELOPMENTAL DISORDER WITH CRANIOFACIAL DYSMORPHISM AND SKELETAL DEFECTS. Last evaluated: 2022-10-20. Review status: no assertion criteria provided. Collection method: literature only. Allele origin: germline. Not counted in ClinVar's aggregate classification.

Literature cited by the submitters: PubMed 27545675 (cited by Ambry Genetics); PubMed 29938792 (cited by Ambry Genetics and OMIM); PubMed 32335897 (cited by Ambry Genetics and OMIM); PubMed 32685970 (cited by Ambry Genetics).